The following is an entry in ClinVar:

NM_007289.4(MME):c.2233A>G (p.Lys745Glu)

Gene: MME (membrane metalloendopeptidase; plus strand). Cytogenetic location: 3q25.2.
Variant type: single nucleotide variant.
Coding change: c.2233A>G on transcript NM_007289.4 (MANE Select); coding-DNA position 2233, A replaced by G.
Protein change: p.Lys745Glu; replaces lysine 745 with glutamic acid.
Molecular consequence: missense variant.
Genome position (GRCh38, 1-based): chr3:155,180,439, A>G. VCF-style: chr3-155180439-A-G. GRCh37 (hg19) VCF-style: chr3-154898228-A-G.
Other names: c.2233A>G, p.Lys745Glu (NM_000902.5, NM_001354642.2, NM_001354643.1 and 2 more transcripts); short protein forms K745E.
Identifiers: ClinVar variation 1309130 (VCV001309130.8), dbSNP rs148040689, ClinGen allele CA2675795.

ClinVar aggregate classification (germline): Uncertain significance. Review status: criteria provided, multiple submitters, no conflicts (2 of 4 stars). 4 submissions from 4 submitters: Uncertain significance (4). Last evaluated 2025-03-16.

Conditions:
Inborn genetic diseases. Identifiers: MedGen C0950123, MeSH D030342.

Allele frequency attached by ClinVar (database versions not stated): gnomAD 0.00003 and 0.00004; ExAC 0.00004; gnomAD exomes 0.00005 and 0.00017; TOPMed 0.00006; ESP Exome Variant Server 0.00015.
gnomAD v4.1: 254 of 1,613,258 alleles (0.016%); highest among the groups gnomAD compares: Non-Finnish European, 0.021%; no homozygotes.

Submissions (4):

Women's Health and Genetics/Laboratory Corporation of America, LabCorp
Classification: Uncertain significance. Last evaluated: 2025-03-16. Review status: criteria provided, single submitter. Criteria: LabCorp Variant Classification Summary - May 2015. Collection method: clinical testing. Allele origin: germline.
Comment: Variant summary: MME c.2233A>G (p.Lys745Glu) results in a conservative amino acid change located in the Peptidase M13, C-terminal domain (IPR018497) of the encoded protein sequence. Four of five in-silico tools predict a benign effect of the variant on protein function. The variant allele was found at a frequency of 4.8e-05 in 250924 control chromosomes. This frequency is not significantly higher than estimated for a pathogenic variant in MME causing Charcot-Marie-Tooth disease, axonal, type 2T-AR (4.8e-05 vs 0.0011), allowing no conclusion about variant significance. To our knowledge, no occurrence of c.2233A>G in individuals affected with Charcot-Marie-Tooth disease, axonal, type 2T-AR and no experimental evidence demonstrating its impact on protein function have been reported. ClinVar contains an entry for this variant (Variation ID: 1309130). Based on the evidence outlined above, the variant was classified as uncertain significance.

Ambry Genetics
Classification: Uncertain significance for Inborn genetic diseases. Last evaluated: 2024-07-31. Review status: criteria provided, single submitter. Criteria: Ambry Variant Classification Scheme 2023. Collection method: clinical testing. Allele origin: germline.

Labcorp Genetics (formerly Invitae), Labcorp
Classification: Uncertain significance. Last evaluated: 2022-09-07. Review status: criteria provided, single submitter. Criteria: Invitae Variant Classification Sherloc (09022015). Collection method: clinical testing. Allele origin: germline.
Comment: This sequence change replaces lysine, which is basic and polar, with glutamic acid, which is acidic and polar, at codon 745 of the MME protein (p.Lys745Glu). This variant is present in population databases (rs148040689, gnomAD 0.01%). This variant has not been reported in the literature in individuals affected with MME-related conditions. ClinVar contains an entry for this variant (Variation ID: 1309130). Algorithms developed to predict the effect of missense changes on protein structure and function (SIFT, PolyPhen-2, Align-GVGD) all suggest that this variant is likely to be tolerated. In summary, the available evidence is currently insufficient to determine the role of this variant in disease. Therefore, it has been classified as a Variant of Uncertain Significance.

GeneDx
Classification: Uncertain significance. Last evaluated: 2019-10-10. Review status: criteria provided, single submitter. Criteria: GeneDx Variant Classification Process June 2021. Collection method: clinical testing. Allele origin: germline. Affected: yes.
Comment: In silico analysis, which includes protein predictors and evolutionary conservation, supports that this variant does not alter protein structure/function; Has not been previously published as pathogenic or benign to our knowledge